The following is an entry in ClinVar:

NM_000321.3(RB1):c.1499-3_1499del

Gene: RB1 (RB transcriptional corepressor 1; plus strand). Cytogenetic location: 13q14.2.
Variant type: Deletion.
Coding change: c.1499-3_1499del on transcript NM_000321.3 (MANE Select); 3 bases into the intron before coding-DNA position 1499 through coding-DNA position 1499, 4 bases deleted (TAGG; older notation c.1499-3_1499delTAGG).
Molecular consequence: splice acceptor variant.
Genome position (GRCh38, 1-based): chr13:48,381,244-48,381,247, TAGG deleted. VCF-style (leftmost placement, unchanged base first): chr13-48381243-TTAGG-T. GRCh37 (hg19) VCF-style: chr13-48955379-TTAGG-T.
Other names: c.1499-3_1499del (NM_001407165.1, NM_001407166.1).
Identifiers: ClinVar variation 3237002 (VCV003237002.1), dbSNP rs2542206390.
Genomic context (GRCh38, chr13:48,381,243, plus strand): 5'-CAAAAAAATACCTAGCTCAAGGGTTAATATTTCATAAATAGTTACTTTTTTTTTTCATTT[TTAGG>T]AAGTACATCTCAGAATCTTGATTCTGGAACAGATTTGTCTTTCCCATGGATTCTGAATGT-3'

ClinVar aggregate classification (germline): Pathogenic (1 of 4 stars; one submission).

Conditions:
Retinoblastoma (RB1). Also called: RETINOBLASTOMA, SOMATIC. Identifiers: Orphanet 790, MedGen C0035335, MeSH D012175, MONDO:0008380, OMIM 180200, HP:0009919. Disease mechanism: loss of function. Inheritance: Both sporadic and heritable forms are tested..

Submission:

Genetic Diagnostic Laboratory, University of Pennsylvania School of Medicine
Classification: Pathogenic for Retinoblastoma. Last evaluated: 2024-05-20. Review status: criteria provided, single submitter. Criteria: ACMG Guidelines, 2015. Collection method: clinical testing. Allele origin: germline. Affected: yes. Observed: 1 variant allele.
Comment: Case and Pedigree Information: BILATERAL CASES:1, UNILATERAL CASES:0, TOTAL CASES:1, PEDIGREES:1. ACMG Codes Applied:PVS1, PM2